The following is an entry in ClinVar:

NM_000051.4(ATM):c.1122_1123del (p.Glu376fs)

Gene: ATM (ATM serine/threonine kinase; plus strand). Cytogenetic location: 11q22.3.
Variant type: Deletion.
Coding change: c.1122_1123del on transcript NM_000051.4 (MANE Select); coding-DNA positions 1122 to 1123, 2 bases deleted (AA; older notation c.1122_1123delAA).
Protein change: p.Glu376fs; shifts the reading frame from glutamic acid 376.
Molecular consequence: frameshift variant.
Genome position (GRCh38, 1-based): chr11:108,248,989-108,248,990, AA deleted; deleting any 2 consecutive bases within chr11:108,248,988-108,248,990 gives the same sequence; the c. name uses the placement nearest the transcript's 3' end. VCF-style (leftmost placement, unchanged base first): chr11-108248987-CAA-C. GRCh37 (hg19) VCF-style: chr11-108119714-CAA-C.
Other names: NM_000051.4(ATM):c.1122_1123del; p.Glu376fs; c.1122_1123delAA (NM_000051.3, NM_000051.4); c.1122_1123del, p.Glu376fs (NM_001351834.2); short protein forms E376fs.
Identifiers: ClinVar variation 818362 (VCV000818362.37), dbSNP rs1591517571, ClinGen allele CA915947736.

ClinVar aggregate classification (germline): Pathogenic. Review status: reviewed by expert panel (3 of 4 stars). 8 submissions from 8 submitters: Pathogenic (1). 7 of the submissions do not count toward it. Last evaluated 2022-04-14.

Conditions:
Hereditary breast ovarian cancer syndrome. Also called: Hereditary breast and ovarian cancer syndrome; Hereditary breast and ovarian cancer syndrome (HBOC); Breast and ovarian cancer; Hereditary breast and/or ovarian cancer syndrome; Hereditary breast and ovarian cancer; BRCA1- and BRCA2-Associated Hereditary Breast and Ovarian Cancer. Identifiers: Orphanet 145, MedGen C0677776, MeSH D061325, MONDO:0003582. Disease mechanism: loss of function.
Ataxia-telangiectasia syndrome (AT). Also called: Ataxia-telangiectasia, complementation group E; Cerebello-oculocutaneous telangiectasia; Immunodeficiency with ataxia telangiectasia; Ataxia telangiectasia (A-T); Ataxia-telangiectasia, complementation group D; AT, COMPLEMENTATION GROUP C. Identifiers: Orphanet 100, MedGen C0004135, MONDO:0008840, OMIM 208900.
Familial cancer of breast. Also called: Hereditary breast cancer; BREAST CANCER, FAMILIAL; hereditary breast carcinoma. Identifiers: Orphanet 227535, MedGen C0346153, MONDO:0016419, OMIM 114480. Disease mechanism: loss of function.
ATM-related cancer predisposition. Also called: ATM-related cancer susceptibility. Identifiers: MedGen CN377759, MONDO:0700270.
Gastric cancer. Also called: Stomach cancer; Malignant tumor of stomach. Identifiers: MedGen C0024623, MeSH D013274, MONDO:0001056, OMIM 613659, HP:0012126.
Hereditary cancer-predisposing syndrome. Also called: Neoplastic Syndromes, Hereditary; Hereditary Cancer Syndrome; Hereditary neoplastic syndrome; Tumor predisposition. Identifiers: Orphanet 140162, MedGen C0027672, MeSH D009386, MONDO:0015356.

Submissions (8):

ClinGen Hereditary Breast, Ovarian and Pancreatic Cancer Variant Curation Expert Panel, ClinGen
Classification: Pathogenic for ATM-related cancer predisposition. Last evaluated: 2022-04-14. Review status: reviewed by expert panel. Criteria: clingen hbop acmg specifications atm v1-1. Collection method: curation. Allele origin: germline. Inheritance: Autosomal dominant inheritance.
Comment: The ATM c.1122_1123del (p.Glu376IlefsTer2) variant has a GnomAD (v2.1.1) allele frequency of 0.0000% which is below the ATM PM2 threshold of 0.001% (PM2_Supporting). This variant is expected to produce an NMD-prone transcript due to a nonsense or frameshifting event (PVS1). In the absence of potential splicing rescue mechanisms in ATM, all PVS1-eligble truncating variants are expected to be pathogenic based on the existence of known pathogenic C-terminal truncations in the last exon (PM5_Supporting). This variant has been observed in a compound heterozygous state (presumed) in one individual with Ataxia-Telangiectasia (PMID: 24954719 PM3). In summary, this variant meets criteria to be classified as pathogenic based on the ACMG/AMP criteria applied as specified by the HBOP Variant Curation Expert Panel.

Women's Health and Genetics/Laboratory Corporation of America, LabCorp
Classification: Pathogenic for Ataxia-telangiectasia syndrome. Last evaluated: 2025-12-05. Review status: criteria provided, single submitter. Criteria: LabCorp Variant Classification Summary - May 2015. Collection method: clinical testing. Allele origin: germline. Not counted in ClinVar's aggregate classification.
Comment: Variant summary: ATM c.1122_1123delAA (p.Glu376IlefsX2) results in a premature termination codon, predicted to cause a truncation of the encoded protein or absence of the protein due to nonsense mediated decay, which are commonly known mechanisms for disease. The variant was absent in 251242 control chromosomes. c.1122_1123delAA has been observed in individual(s) affected with Ataxia-telangiectasia syndrome or Breast Cancer (e.g. Nakayama_2015, Kaneyasu_2020). To our knowledge, no experimental evidence demonstrating an impact on protein function has been reported. The following publications have been ascertained in the context of this evaluation (PMID: 32566746, 24954719). ClinVar contains an entry for this variant (Variation ID: 818362). Based on the evidence outlined above, the variant was classified as pathogenic for recessive Ataxia-telangiectasia syndrome and dominant predisposition to ATM-related cancer.

Labcorp Genetics (formerly Invitae), Labcorp
Classification: Pathogenic for Ataxia-telangiectasia syndrome. Last evaluated: 2024-10-16. Review status: criteria provided, single submitter. Criteria: Invitae Variant Classification Sherloc (09022015). Collection method: clinical testing. Allele origin: germline. Not counted in ClinVar's aggregate classification.
Comment: This sequence change creates a premature translational stop signal (p.Glu376Ilefs*2) in the ATM gene. It is expected to result in an absent or disrupted protein product. Loss-of-function variants in ATM are known to be pathogenic (PMID: 23807571, 25614872). This variant is not present in population databases (gnomAD no frequency). This premature translational stop signal has been observed in individual(s) with breast cancer and ataxia telangiectasia (PMID: 24954719, 32566746). This variant is also known as c.1121_1122delAA. ClinVar contains an entry for this variant (Variation ID: 818362). For these reasons, this variant has been classified as Pathogenic.

Myriad Genetics, Inc.
Classification: Pathogenic for Familial cancer of breast. Last evaluated: 2024-01-12. Review status: criteria provided, single submitter. Criteria: Myriad Autosomal Dominant, Autosomal Recessive and X-Linked Classification Criteria (2023). Collection method: clinical testing. Allele origin: unknown. Not counted in ClinVar's aggregate classification.
Comment: This variant is considered pathogenic. This variant creates a frameshift predicted to result in premature protein truncation.

Fulgent Genetics
Classification: Pathogenic for Familial cancer of breast; Ataxia-telangiectasia syndrome. Last evaluated: 2024-01-03. Review status: criteria provided, single submitter. Criteria: ACMG Guidelines, 2015. Collection method: clinical testing. Allele origin: germline. Not counted in ClinVar's aggregate classification.

Ambry Genetics
Classification: Pathogenic for Hereditary cancer-predisposing syndrome. Last evaluated: 2023-09-06. Review status: criteria provided, single submitter. Criteria: Ambry Variant Classification Scheme 2023. Collection method: clinical testing. Allele origin: germline. Not counted in ClinVar's aggregate classification.
Comment: The c.1122_1123delAA variant, located in coding exon 8 of the ATM gene, results from a deletion of two nucleotides at nucleotide positions 1122 to 1123, causing a translational frameshift with a predicted alternate stop codon (p.E376Ifs*2). This alteration (designated as c.1121_1122delAA) has also been reported in the compound heterozygous state in a patient affected with ataxia telangiectasia (Nakayama T et al. Brain Dev., 2015 Mar;37:362-5). This variant is considered to be rare based on population cohorts in the Genome Aggregation Database (gnomAD). In addition to the clinical data presented in the literature, this alteration is expected to result in loss of function by premature protein truncation or nonsense-mediated mRNA decay. As such, this alteration is interpreted as a disease-causing mutation.

Cancer Genomics Group, Japanese Foundation For Cancer Research
Classification: Likely pathogenic for Hereditary breast and ovarian cancer syndrome. Last evaluated: 2019-05-01. Review status: criteria provided, single submitter. Criteria: ACMG Guidelines, 2015. Collection method: research. Allele origin: germline. Affected: yes. Not counted in ClinVar's aggregate classification.

Laboratory for Genotyping Development, RIKEN
Classification: Pathogenic for Gastric cancer. Last evaluated: 2021-07-01. Review status: no assertion criteria provided. Collection method: research. Allele origin: germline. Not counted in ClinVar's aggregate classification.

Literature cited by the submitters: PubMed 32566746 (cited by Women's Health and Genetics/Laboratory Corporation of America, LabCorp and Labcorp Genetics (formerly Invitae), Labcorp); PubMed 24954719 (cited by 3 submitters); PubMed 23807571 (cited by Labcorp Genetics (formerly Invitae), Labcorp); PubMed 25614872 (cited by Labcorp Genetics (formerly Invitae), Labcorp); PubMed 30287823 (cited by Ambry Genetics); PubMed 36988593 (cited by Laboratory for Genotyping Development, RIKEN).